The following is an entry in ClinVar:

ClinVar aggregate classification (germline): Uncertain significance. Review status: criteria provided, multiple submitters, no conflicts (2 of 4 stars). 2 submissions from 2 submitters: Uncertain significance (2). Last evaluated 2025-09-01.

Allele frequency attached by ClinVar (database versions not stated): TOPMed 0.00001; gnomAD exomes 0.00004; ExAC 0.00005.
gnomAD v4.1: 28 of 1,614,234 alleles (0.0017%); highest among the groups gnomAD compares: South Asian, 0.024%; no homozygotes.

Submissions (2):

Ambry Genetics
Classification: Uncertain significance. Last evaluated: 2025-09-01. Review status: criteria provided, single submitter. Criteria: Ambry Variant Classification Scheme 2023. Collection method: clinical testing. Allele origin: germline.

Labcorp Genetics (formerly Invitae), Labcorp
Classification: Uncertain significance. Last evaluated: 2025-02-18. Review status: criteria provided, single submitter. Criteria: Invitae Variant Classification Sherloc (09022015). Collection method: clinical testing. Allele origin: germline.
Comment: This sequence change replaces histidine, which is basic and polar, with arginine, which is basic and polar, at codon 650 of the MYLK3 protein (p.His650Arg). This variant is present in population databases (rs747154291, gnomAD 0.03%). This variant has not been reported in the literature in individuals affected with MYLK3-related conditions. ClinVar contains an entry for this variant (Variation ID: 1461490). An algorithm developed to predict the effect of missense changes on protein structure and function (PolyPhen-2) suggests that this variant is likely to be disruptive. In summary, the available evidence is currently insufficient to determine the role of this variant in disease. Therefore, it has been classified as a Variant of Uncertain Significance.

NM_182493.3(MYLK3):c.1949A>G (p.His650Arg)

Gene: MYLK3 (myosin light chain kinase 3; minus strand). Cytogenetic location: 16q11.2.
Variant type: single nucleotide variant.
Coding change: c.1949A>G on transcript NM_182493.3 (MANE Select); coding-DNA position 1949, A replaced by G.
Protein change: p.His650Arg; replaces histidine 650 with arginine.
Molecular consequence: missense variant.
Genome position (GRCh38, 1-based): chr16:46,721,159, T>C on the plus strand (A>G on the coding strand, the complement: MYLK3 is on the minus strand). VCF-style: chr16-46721159-T-C. GRCh37 (hg19) VCF-style: chr16-46755071-T-C.
Other names: c.1949A>G (NM_182493.2); c.926A>G, p.His309Arg (NM_001308301.1); short protein forms H650R, H309R.
Identifiers: ClinVar variation 1461490 (VCV001461490.9), dbSNP rs747154291, ClinGen allele CA8037785.